The following is an entry in ClinVar:

ClinVar aggregate classification (germline): Uncertain significance (1 of 4 stars; one submission).

Submission:

Labcorp Genetics (formerly Invitae), Labcorp
Classification: Uncertain significance. Last evaluated: 2024-04-18. Review status: criteria provided, single submitter. Criteria: Invitae Variant Classification Sherloc (09022015). Collection method: clinical testing. Allele origin: germline.
Comment: This sequence change replaces cysteine, which is neutral and slightly polar, with serine, which is neutral and polar, at codon 1261 of the CLTC protein (p.Cys1261Ser). This variant is not present in population databases (gnomAD no frequency). This variant has not been reported in the literature in individuals affected with CLTC-related conditions. Advanced modeling of protein sequence and biophysical properties (such as structural, functional, and spatial information, amino acid conservation, physicochemical variation, residue mobility, and thermodynamic stability) performed at Invitae indicates that this missense variant is not expected to disrupt CLTC protein function with a negative predictive value of 80%. In summary, the available evidence is currently insufficient to determine the role of this variant in disease. Therefore, it has been classified as a Variant of Uncertain Significance.

NM_004859.4(CLTC):c.3770G>C (p.Cys1257Ser)

Gene: CLTC (clathrin heavy chain; plus strand). Cytogenetic location: 17q23.1.
Variant type: single nucleotide variant.
Coding change: c.3770G>C on transcript NM_004859.4 (MANE Select); coding-DNA position 3770, G replaced by C.
Protein change: p.Cys1257Ser; replaces cysteine 1257 with serine.
Molecular consequence: missense variant.
Genome position (GRCh38, 1-based): chr17:59,682,911, G>C. VCF-style: chr17-59682911-G-C. GRCh37 (hg19) VCF-style: chr17-57760272-G-C.
Other names: c.3782G>C, p.Cys1261Ser (NM_001288653.2); short protein forms C1257S, C1261S.
Identifiers: ClinVar variation 2809994 (VCV002809994.3), dbSNP rs2509153816, ClinGen allele CA400418902.
Genomic context (GRCh38, chr17:59,682,911, plus strand): 5'-TAAATAACTAGCCATGTTTTACATTTGAGTTCACAGAAAGGAAATGTTTATTCTAGGTCT[G>C]CTTCGCCTGTGTAGATGGGAAAGAATTCCGTCTTGCTCAGATGTGTGGACTTCATATTGT-3'
Protein context (NP_004850.1, residues 1247-1267): ANSTRTWKEV[Cys1257Ser]FACVDGKEFR